The following is an entry in ClinVar:

NM_001083116.3(PRF1):c.445G>A (p.Gly149Ser)

Gene: PRF1 (perforin 1; minus strand). Cytogenetic location: 10q22.1.
Variant type: single nucleotide variant.
Coding change: c.445G>A on transcript NM_001083116.3 (MANE Select); coding-DNA position 445, G replaced by A.
Protein change: p.Gly149Ser; replaces glycine 149 with serine.
Molecular consequence: missense variant.
Genome position (GRCh38, 1-based): chr10:70,600,458, C>T on the plus strand (G>A on the coding strand, the complement: PRF1 is on the minus strand). VCF-style: chr10-70600458-C-T. GRCh37 (hg19) VCF-style: chr10-72360214-C-T.
Other names: p.Gly149Ser; c.445G>A, p.Gly149Ser (NM_005041.6); short protein forms G149S.
Identifiers: ClinVar variation 520942 (VCV000520942.29), dbSNP rs147462227, ClinGen allele CA5539032.

ClinVar aggregate classification (germline): Pathogenic. Review status: criteria provided, multiple submitters, no conflicts (2 of 4 stars). 14 submissions from 14 submitters: Pathogenic (14). Last evaluated 2026-03-01.

Conditions:
Inborn genetic diseases. Identifiers: MedGen C0950123, MeSH D030342.
Familial hemophagocytic lymphohistiocytosis (FHL). Also called: Familial erythrophagocytic lymphohistiocytosis; Familial histiocytic reticulosis; Hereditary hemophagocytic lymphohistiocytosis. Identifiers: Orphanet 158038, Orphanet 540, MedGen C0272199, MONDO:0015541.
Aplastic anemia. Identifiers: Orphanet 182040, Orphanet 88, MedGen C0002874, MONDO:0015909, OMIM 609135, HP:0001915.
Familial hemophagocytic lymphohistiocytosis 2 (FHL2). Also called: PRF1-Related Familial Hemophagocytic Lymphohistiocytosis (PRF1-fHLH). Identifiers: Orphanet 540, MedGen C1863727, MONDO:0011337, OMIM 603553.
Lymphoma, non-Hodgkin, familial. Identifiers: MedGen C4721532, MONDO:0011508, OMIM 605027.
PRF1-related disorder. Also called: PRF1-related condition.

Allele frequency attached by ClinVar (database versions not stated): gnomAD 0.00007; gnomAD exomes 0.00007 and 0.00014; ESP Exome Variant Server 0.00008; ExAC 0.00014; TOPMed 0.00015; 1000 Genomes Project 30x 0.00016; 1000 Genomes Project 0.00020.
gnomAD v4.1: 109 of 1,614,212 alleles (0.0068%); highest among the groups gnomAD compares: Admixed American, 0.057%; no homozygotes.

Submissions (14):

CeGaT Center for Human Genetics Tuebingen
Classification: Pathogenic. Last evaluated: 2026-03-01. Review status: criteria provided, single submitter. Criteria: CeGaT Center For Human Genetics Tuebingen Variant Classification Criteria Version 2. Collection method: clinical testing. Allele origin: germline. Affected: yes. Observed: 1 variant allele.
Comment: PRF1: PM3:Very Strong, PM2, PM5:Supporting, PS3:Supporting

Labcorp Genetics (formerly Invitae), Labcorp
Classification: Pathogenic for Familial hemophagocytic lymphohistiocytosis 2. Last evaluated: 2026-01-22. Review status: criteria provided, single submitter. Criteria: Invitae Variant Classification Sherloc (09022015). Collection method: clinical testing. Allele origin: germline.
Comment: This sequence change replaces glycine, which is neutral and non-polar, with serine, which is neutral and polar, at codon 149 of the PRF1 protein (p.Gly149Ser). This variant is present in population databases (rs147462227, gnomAD 0.06%). This missense change has been observed in individual(s) with clinical features of hemophagocytic lymphohistiocytosis (PMID: 16278825, 17873118, 21959744, 26184781; externalcommunication). In at least one individual the data is consistent with being in trans (on the opposite chromosome) from a pathogenic variant. ClinVar contains an entry for this variant (Variation ID: 520942). Invitae Evidence Modeling of protein sequence and biophysical properties (such as structural, functional, and spatial information, amino acid conservation, physicochemical variation, residue mobility, and thermodynamic stability) indicates that this missense variant is expected to disrupt PRF1 protein function with a positive predictive value of 95%. Experimental studies have shown that this missense change affects PRF1 function (PMID: 16374518). For these reasons, this variant has been classified as Pathogenic.

Center for Genomic Medicine, Rigshospitalet, Copenhagen University Hospital
Classification: Pathogenic. Last evaluated: 2025-12-29. Review status: criteria provided, single submitter. Criteria: ACMG Guidelines, 2015. Collection method: clinical testing. Allele origin: germline.

Blueprint Genetics
Classification: Pathogenic for PRF1-related disorders. Last evaluated: 2024-11-26. Review status: criteria provided, single submitter. Criteria: ACMG Guidelines, 2015. Collection method: clinical testing. Allele origin: germline. Affected: yes. Observed: 5 variant alleles.

Revvity Omics, Revvity
Classification: Pathogenic. Last evaluated: 2024-10-23. Review status: criteria provided, single submitter. Criteria: ACMG Guidelines, 2015. Collection method: clinical testing. Allele origin: germline.

3billion
Classification: Pathogenic for Familial hemophagocytic lymphohistiocytosis 2. Last evaluated: 2024-08-07. Review status: criteria provided, single submitter. Criteria: ACMG Guidelines, 2015. Collection method: clinical testing. Allele origin: germline. Affected: yes.
Comment: The variant is observed at an extremely low frequency in the gnomAD v4.0.0 dataset (total allele frequency: 0.007%). Predicted Consequence/Location: Missense variant In silico tool predictions suggest damaging effect of the variant on gene or gene product [REVEL: 0.79 (>=0.6, sensitivity 0.68 and specificity 0.92); 3Cnet: 0.99 (>=0.6, sensitivity 0.72 and precision 0.9)]. The same nucleotide change resulting in the same amino acid change has been previously reported as pathogenic/likely pathogenic with strong evidence (ClinVar ID: VCV000520942 /PMID: 11756153). The variant has been observed in multiple (>3) similarly affected unrelated individuals (PMID: 16278825, 17873118, 21959744, 26184781). A different missense change at the same codon (p.Gly149Arg) has been reported to be associated with PRF1 related disorder (PMID: 17873118). However the evidence of pathogenicity is insufficient at this time. Therefore, this variant is classified as Pathogenic according to the recommendation of ACMG/AMP guideline.

Baylor Genetics
Classification: Pathogenic for Aplastic anemia. Last evaluated: 2024-03-29. Review status: criteria provided, single submitter. Criteria: ACMG Guidelines, 2015. Collection method: clinical testing. Allele origin: unknown.

Fulgent Genetics
Classification: Pathogenic for Familial hemophagocytic lymphohistiocytosis 2; Lymphoma, non-Hodgkin, familial; Aplastic anemia. Last evaluated: 2024-02-27. Review status: criteria provided, single submitter. Criteria: ACMG Guidelines, 2015. Collection method: clinical testing. Allele origin: germline.

GeneDx
Classification: Pathogenic. Last evaluated: 2024-01-22. Review status: criteria provided, single submitter. Criteria: GeneDx Variant Classification Process June 2021. Collection method: clinical testing. Allele origin: germline. Affected: yes.
Comment: Published functional studies demonstrate a damaging effect with reduced expression and absence of cytotoxic activity (PMID: 15755897); In silico analysis supports that this missense variant has a deleterious effect on protein structure/function; This variant is associated with the following publications: (PMID: 21881043, 21959744, 24916509, 23073290, 17873118, 23592409, 19487666, 16374518, 11756153, 26184781, 16278825, 27577878, 33694335, 31589614, 34308104, 25297583, 32542393, 36440336, 36964991, 37365821, 15755897)

Women's Health and Genetics/Laboratory Corporation of America, LabCorp
Classification: Pathogenic for Familial hemophagocytic lymphohistiocytosis. Last evaluated: 2023-11-01. Review status: criteria provided, single submitter. Criteria: LabCorp Variant Classification Summary - May 2015. Collection method: clinical testing. Allele origin: germline.
Comment: Variant summary: PRF1 c.445G>A (p.Gly149Ser) results in a non-conservative amino acid change located in the membrane attack complex component/perforin (MACPF) domain (IPR020864) of the encoded protein sequence. Five of five in-silico tools predict a damaging effect of the variant on protein function. The variant allele was found at a frequency of 0.00014 in 251436 control chromosomes, predominantly at a frequency of 0.00064 within the Latino subpopulation in the gnomAD database. This frequency is not significantly higher than estimated for a pathogenic variant in PRF1 causing Familial Hemophagocytic Lymphohistiocytosis (0.00014 vs 0.0027), allowing no conclusion about variant significance. c.445G>A has been reported in the literature as a biallelic genotype in multiple individuals affected with Familial Hemophagocytic Lymphohistiocytosis. These data indicate that the variant is very likely to be associated with disease. At least one publication reports experimental evidence evaluating an impact on protein function in vitro (e.g. Voskoboinik_2005). The variant had little to no detectable protein expression compared to WT perforin and had minimal detectable cytotoxic activity in a cell-based assay. The following publications have been ascertained in the context of this evaluation (PMID: 11756153, 14757862, 15755897, 17873118). Seven submitters have cited clinical-significance assessments for this variant to ClinVar after 2014. All submitters classified the variant as pathogenic. Based on the evidence outlined above, the variant was classified as pathogenic.

Mayo Clinic Laboratories, Mayo Clinic
Classification: Pathogenic. Last evaluated: 2023-05-15. Review status: criteria provided, single submitter. Criteria: ACMG Guidelines, 2015. Collection method: clinical testing. Allele origin: germline. Observed: 1 variant allele.
Comment: PP3, PM3, PS3, PS4_moderate

Genomics Facility, Ludwig-Maximilians-Universität München
Classification: Pathogenic for Familial hemophagocytic lymphohistiocytosis 2. Last evaluated: 2021-12-28. Review status: criteria provided, single submitter. Criteria: ACMG Guidelines, 2015. Collection method: clinical testing. Allele origin: biparental. Inheritance: Autosomal recessive inheritance. Affected: yes.

Mendelics
Classification: Pathogenic for Familial hemophagocytic lymphohistiocytosis 2. Last evaluated: 2019-05-28. Review status: criteria provided, single submitter. Criteria: Mendelics Assertion Criteria 2017. Collection method: clinical testing. Allele origin: unknown.

Ambry Genetics
Classification: Pathogenic for Inborn genetic diseases. Last evaluated: 2016-03-02. Review status: criteria provided, single submitter. Criteria: Ambry exome assertion method (8-5-2015). Collection method: clinical testing. Allele origin: germline. Affected: yes. Observed: 1 variant allele.

Literature cited by the submitters: PubMed 16278825 (cited by Labcorp Genetics (formerly Invitae), Labcorp and 3billion); PubMed 17873118 (cited by 3 submitters); PubMed 21959744 (cited by Labcorp Genetics (formerly Invitae), Labcorp and 3billion); PubMed 26184781 (cited by 3 submitters); PubMed 16374518 (cited by Labcorp Genetics (formerly Invitae), Labcorp); PubMed 32542393 (cited by Center for Genomic Medicine, Rigshospitalet, Copenhagen University Hospital and Mayo Clinic Laboratories, Mayo Clinic); PubMed 19487666 (cited by Center for Genomic Medicine, Rigshospitalet, Copenhagen University Hospital and Mayo Clinic Laboratories, Mayo Clinic); PubMed 11756153 (cited by 3 submitters); PubMed 14757862 (cited by Women's Health and Genetics/Laboratory Corporation of America, LabCorp); PubMed 15755897 (cited by Women's Health and Genetics/Laboratory Corporation of America, LabCorp and Mayo Clinic Laboratories, Mayo Clinic); PubMed 23073290 (cited by Mayo Clinic Laboratories, Mayo Clinic).